The following is an entry in ClinVar:

NM_006361.6(HOXB13):c.769G>C (p.Glu257Gln)

Gene: HOXB13 (homeobox B13; minus strand). Cytogenetic location: 17q21.32.
Variant type: single nucleotide variant.
Coding change: c.769G>C on transcript NM_006361.6 (MANE Select); coding-DNA position 769, G replaced by C.
Protein change: p.Glu257Gln; replaces glutamic acid 257 with glutamine.
Molecular consequence: missense variant.
Genome position (GRCh38, 1-based): chr17:48,726,876, C>G on the plus strand (G>C on the coding strand, the complement: HOXB13 is on the minus strand). VCF-style: chr17-48726876-C-G. GRCh37 (hg19) VCF-style: chr17-46804238-C-G.
Other names: short protein forms E257Q.
Identifiers: ClinVar variation 827204 (VCV000827204.14), dbSNP rs1016398275, ClinGen allele CA291348918.

ClinVar aggregate classification (germline): Uncertain significance. Review status: criteria provided, multiple submitters, no conflicts (2 of 4 stars). 2 submissions from 2 submitters: Uncertain significance (2). Last evaluated 2025-11-03.

Conditions:
Hereditary cancer-predisposing syndrome. Also called: Neoplastic Syndromes, Hereditary; Tumor predisposition; Hereditary neoplastic syndrome; Hereditary Cancer Syndrome. Identifiers: Orphanet 140162, MedGen C0027672, MeSH D009386, MONDO:0015356.

Allele frequency attached by ClinVar (database versions not stated): gnomAD 0.00001; TOPMed 0.00001.
gnomAD v4.1: 2 of 1,614,028 alleles (0.00012%); highest among the groups gnomAD compares: African/African-American, 0.0027%; no homozygotes.

Submissions (2):

Labcorp Genetics (formerly Invitae), Labcorp
Classification: Uncertain significance. Last evaluated: 2025-11-03. Review status: criteria provided, single submitter. Criteria: Invitae Variant Classification Sherloc (09022015). Collection method: clinical testing. Allele origin: germline.
Comment: This sequence change replaces glutamic acid, which is acidic and polar, with glutamine, which is neutral and polar, at codon 257 of the HOXB13 protein (p.Glu257Gln). This variant is not present in population databases (gnomAD no frequency). This variant has not been reported in the literature in individuals affected with HOXB13-related conditions. ClinVar contains an entry for this variant (Variation ID: 827204). Invitae Evidence Modeling of protein sequence and biophysical properties (such as structural, functional, and spatial information, amino acid conservation, physicochemical variation, residue mobility, and thermodynamic stability) has been performed for this missense variant. However, the output from this modeling did not meet the statistical confidence thresholds required to predict the impact of this variant on HOXB13 protein function. In summary, the available evidence is currently insufficient to determine the role of this variant in disease. Therefore, it has been classified as a Variant of Uncertain Significance.

Ambry Genetics
Classification: Uncertain significance for Hereditary cancer-predisposing syndrome. Last evaluated: 2025-10-17. Review status: criteria provided, single submitter. Criteria: Ambry Variant Classification Scheme 2023. Collection method: clinical testing. Allele origin: germline.